The following is an entry in ClinVar:

ClinVar aggregate classification (germline): Likely benign. Review status: criteria provided, single submitter (1 of 4 stars). 2 submissions from 2 submitters: Likely benign (1). 1 of the submissions does not count toward it. Last evaluated 2024-08-23.

Conditions:
B9D1-related disorder. Also called: B9D1-related condition; B9D1-related disorders.

Allele frequency attached by ClinVar (database versions not stated): gnomAD exomes 0.00004; TOPMed 0.00009; gnomAD 0.00012; ExAC 0.00014; 1000 Genomes Project 30x 0.00094; 1000 Genomes Project 0.00100.
gnomAD v4.1: 69 of 1,572,728 alleles (0.0044%); highest among the groups gnomAD compares: East Asian, 0.16%; no homozygotes.

Submissions (2):

Blueprint Genetics
Classification: Likely benign. Last evaluated: 2024-08-23. Review status: criteria provided, single submitter. Criteria: ACMG Guidelines, 2015. Collection method: clinical testing. Allele origin: germline.

PreventionGenetics, part of Exact Sciences
Classification: Likely benign for B9D1-related condition. Last evaluated: 2023-03-06. Review status: no assertion criteria provided. Collection method: clinical testing. Allele origin: germline. Not counted in ClinVar's aggregate classification.
Comment: This variant is classified as likely benign based on ACMG/AMP sequence variant interpretation guidelines (Richards et al. 2015 PMID: 25741868, with internal and published modifications).

NM_015681.6(B9D1):c.473-145C>A

Gene: B9D1 (B9 domain containing 1; minus strand). Cytogenetic location: 17p11.2.
Variant type: single nucleotide variant.
Coding change: c.473-145C>A on transcript NM_015681.6 (MANE Select); 145 bases into the intron before coding-DNA position 473, C replaced by A.
Molecular consequence: intron variant. On other transcripts: 3 prime UTR variant (1).
Genome position (GRCh38, 1-based): chr17:19,343,606, G>T on the plus strand (C>A on the coding strand, the complement: B9D1 is on the minus strand). VCF-style: chr17-19343606-G-T. GRCh37 (hg19) VCF-style: chr17-19246919-G-T.
Other names: NM_001243473.2:c.715C>A; c.*104C>A (NM_001321215.3); c.112+184C>A (NM_001368769.2); c.404+3663C>A (NM_001321219.2); c.472+184C>A (NM_001321218.2, NM_001321217.2); c.473-56C>A (NM_001321214.2); c.473-111C>A (NM_001330149.2).
Identifiers: ClinVar variation 3034129 (VCV003034129.3), dbSNP rs556859873, ClinGen allele CA8440111.